The following is an entry in ClinVar:

ClinVar aggregate classification (germline): Pathogenic (1 of 4 stars; one submission).

Submission:

Labcorp Genetics (formerly Invitae), Labcorp
Classification: Pathogenic. Last evaluated: 2022-08-23. Review status: criteria provided, single submitter. Criteria: Invitae Variant Classification Sherloc (09022015). Collection method: clinical testing. Allele origin: germline.
Comment: For these reasons, this variant has been classified as Pathogenic. This variant has not been reported in the literature in individuals affected with NFKB1-related conditions. This variant is not present in population databases (gnomAD no frequency). This sequence change creates a premature translational stop signal (p.Asn167Ilefs*31) in the NFKB1 gene. It is expected to result in an absent or disrupted protein product. Loss-of-function variants in NFKB1 are known to be pathogenic (PMID: 26279205, 29477724).

Literature cited by the submitters: PubMed 26279205; PubMed 29477724.

NM_003998.4(NFKB1):c.498_499dup (p.Asn167fs)

Gene: NFKB1 (nuclear factor kappa B subunit 1; plus strand). Cytogenetic location: 4q24.
Variant type: Microsatellite.
Coding change: c.498_499dup on transcript NM_003998.4 (MANE Select); coding-DNA positions 498 to 499, 2 bases duplicated (TA; older notation c.498_499dupTA).
Protein change: p.Asn167fs; shifts the reading frame from asparagine 167.
Molecular consequence: frameshift variant.
Genome position (GRCh38, 1-based): chr4:102,576,966-102,576,967, TA duplicated; duplicating any 2 consecutive bases within chr4:102,576,964-102,576,967 gives the same sequence; the c. name uses the placement nearest the transcript's 3' end. VCF-style (leftmost placement, unchanged base first): chr4-102576963-C-CTA. GRCh37 (hg19) VCF-style: chr4-103498120-C-CTA.
Other names: c.495_496dup, p.Asn166fs (NM_001165412.2, NM_001319226.2, NM_001382627.1); c.498_499dup, p.Asn167fs (NM_001382625.1, NM_001382626.1); c.456_457dup, p.Asn153fs (NM_001382628.1); short protein forms N166fs, N153fs, N167fs.
Identifiers: ClinVar variation 1442609 (VCV001442609.6), dbSNP rs2149181883, ClinGen allele CA2580616129.